The following is an entry in ClinVar:

NM_000535.7(PMS2):c.2391G>A (p.Met797Ile)

Gene: PMS2 (PMS1 homolog 2, mismatch repair system component; minus strand). Cytogenetic location: 7p22.1.
Variant type: single nucleotide variant.
Coding change: c.2391G>A on transcript NM_000535.7 (MANE Select); coding-DNA position 2391, G replaced by A.
Protein change: p.Met797Ile; replaces methionine 797 with isoleucine.
Molecular consequence: missense variant. On other transcripts: non-coding transcript variant (1).
Genome position (GRCh38, 1-based): chr7:5,977,642, C>T on the plus strand (G>A on the coding strand, the complement: PMS2 is on the minus strand). VCF-style: chr7-5977642-C-T. GRCh37 (hg19) VCF-style: chr7-6017273-C-T.
Other names: c.1986G>A, p.Met662Ile (NM_001322003.2, NM_001322004.2, NM_001322005.2); c.2235G>A, p.Met745Ile (NM_001322006.2); c.2073G>A, p.Met691Ile (NM_001322007.2, NM_001322008.2); c.2019G>A, p.Met673Ile (NM_001322009.2); c.1830G>A, p.Met610Ile (NM_001322010.2); c.1458G>A, p.Met486Ile (NM_001322011.2, NM_001322012.2); c.1818G>A, p.Met606Ile (NM_001322013.2); c.2424G>A, p.Met808Ile (NM_001322014.2); and 1 more; short protein forms M797I, M606I, M610I, M662I, M745I, M486I, M694I, M673I.
Identifiers: ClinVar variation 480303 (VCV000480303.12), dbSNP rs1554293841, ClinGen allele CA366735719.

ClinVar aggregate classification (germline): Uncertain significance. Review status: criteria provided, multiple submitters, no conflicts (2 of 4 stars). 3 submissions from 3 submitters: Uncertain significance (3). Last evaluated 2024-04-29.

Conditions:
Hereditary nonpolyposis colorectal neoplasms. Identifiers: MedGen C0009405, MeSH D003123.
Hereditary cancer-predisposing syndrome. Also called: Hereditary Cancer Syndrome; Neoplastic Syndromes, Hereditary; Tumor predisposition; Hereditary neoplastic syndrome. Identifiers: Orphanet 140162, MedGen C0027672, MeSH D009386, MONDO:0015356.

Allele frequency attached by ClinVar (database versions not stated): TOPMed below 0.00001.

Submissions (3):

GeneDx
Classification: Uncertain significance. Last evaluated: 2024-04-29. Review status: criteria provided, single submitter. Criteria: GeneDx Variant Classification Process June 2021. Collection method: clinical testing. Allele origin: germline. Affected: yes.
Comment: Not observed in large population cohorts (gnomAD); In silico analysis, which includes protein predictors and evolutionary conservation, supports a deleterious effect; Has not been previously published as pathogenic or benign to our knowledge; This variant is associated with the following publications: (PMID: Fukui2011[Chapter])

Ambry Genetics
Classification: Uncertain significance for Hereditary cancer-predisposing syndrome. Last evaluated: 2023-12-07. Review status: criteria provided, single submitter. Criteria: Ambry Variant Classification Scheme 2023. Collection method: clinical testing. Allele origin: germline.
Comment: The p.M797I variant (also known as c.2391G>A), located in coding exon 14 of the PMS2 gene, results from a G to A substitution at nucleotide position 2391. The methionine at codon 797 is replaced by isoleucine, an amino acid with highly similar properties. This amino acid position is highly conserved in available vertebrate species. In addition, the in silico prediction for this alteration is inconclusive. Since supporting evidence is limited at this time, the clinical significance of this alteration remains unclear.

Labcorp Genetics (formerly Invitae), Labcorp
Classification: Uncertain significance for Hereditary nonpolyposis colorectal neoplasms. Last evaluated: 2023-06-09. Review status: criteria provided, single submitter. Criteria: Invitae Variant Classification Sherloc (09022015). Collection method: clinical testing. Allele origin: germline.
Comment: ClinVar contains an entry for this variant (Variation ID: 480303). This variant has not been reported in the literature in individuals affected with PMS2-related conditions. The frequency data for this variant in the population databases (gnomAD) is considered unreliable due to the presence of homologous sequence, such as pseudogenes or paralogs, in the genome. This sequence change replaces methionine, which is neutral and non-polar, with isoleucine, which is neutral and non-polar, at codon 797 of the PMS2 protein (p.Met797Ile). Advanced modeling of protein sequence and biophysical properties (such as structural, functional, and spatial information, amino acid conservation, physicochemical variation, residue mobility, and thermodynamic stability) performed at Invitae indicates that this missense variant is expected to disrupt PMS2 protein function. In summary, the available evidence is currently insufficient to determine the role of this variant in disease. Therefore, it has been classified as a Variant of Uncertain Significance.